The following is an entry in ClinVar:

NM_000059.4(BRCA2):c.10247_10248insT (p.Lys3416fs)

Gene: BRCA2 (BRCA2 DNA repair associated; plus strand). Cytogenetic location: 13q13.1.
Variant type: Insertion.
Coding change: c.10247_10248insT on transcript NM_000059.4 (MANE Select); coding-DNA positions 10247 to 10248, T inserted.
Protein change: p.Lys3416fs; shifts the reading frame from lysine 3416.
Molecular consequence: frameshift variant.
Genome position: GRCh38 VCF-style: chr13-32398760-A-AT. GRCh37 (hg19) VCF-style: chr13-32972897-A-AT.
Other names: short protein forms K3416fs.
Identifiers: ClinVar variation 1125426 (VCV001125426.10), dbSNP rs2137668083, ClinGen allele CA2499222402.

ClinVar aggregate classification (germline): Conflicting classifications of pathogenicity. Review status: criteria provided, conflicting classifications (1 of 4 stars). 2 submissions from 2 submitters: Uncertain significance (1); Likely benign (1). Last evaluated 2025-04-22.

Conditions:
Hereditary cancer-predisposing syndrome. Also called: Hereditary neoplastic syndrome; Neoplastic Syndromes, Hereditary; Tumor predisposition; Hereditary Cancer Syndrome. Identifiers: Orphanet 140162, MedGen C0027672, MeSH D009386, MONDO:0015356.
Hereditary breast ovarian cancer syndrome. Also called: Hereditary breast and ovarian cancer; Breast and ovarian cancer; Hereditary breast and ovarian cancer syndrome (HBOC); BRCA1- and BRCA2-Associated Hereditary Breast and Ovarian Cancer; Hereditary breast and/or ovarian cancer syndrome; Hereditary breast and ovarian cancer syndrome. Identifiers: Orphanet 145, MedGen C0677776, MeSH D061325, MONDO:0003582. Disease mechanism: loss of function.

Submissions (2):

Labcorp Genetics (formerly Invitae), Labcorp
Classification: Likely benign for Hereditary breast ovarian cancer syndrome. Last evaluated: 2025-04-22. Review status: criteria provided, single submitter. Criteria: Invitae Variant Classification Sherloc (09022015). Collection method: clinical testing. Allele origin: germline.

Molecular Diagnostics Laboratory, Catalan Institute of Oncology
Classification: Uncertain significance for Hereditary cancer-predisposing syndrome. Last evaluated: 2025-04-10. Review status: criteria provided, single submitter. Criteria: ClinGen BRCA1BRCA2 ACMG Specifications BRCA2 V1.0.0. Collection method: clinical testing. Allele origin: germline.
Comment: PM2_supporting c.10247_10248insT, located in exon 27 of the BRCA2 gene, consists in the insertion of 1 nucleotide, causing a translational frameshift with a predicted alternate stop codon p.(Lys3416Asnfs*22). PVS1 can not be applied because the variant is downstream p.Glu3309 (PVS1_N/A). It is not present in the population database gnomAD v2.1.1, non cancer dataset (PM2_supporting). To our knowledge, neither relevant clinical data nor well-stablished functional studies have been reported for this variant. In addition, the variant has been identified in the ClinVar* database as likely benign, and BRCA Exchange database (not yet reviewed), but it is not present in the LOVD database. Based on the currently available information, c.10247_10248insT is classified as an uncertain significance variant according to ClinGen-BRCA2 Guidelines version 1.